The following is an entry in ClinVar:

ClinVar aggregate classification (germline): Uncertain significance (1 of 4 stars; one submission).

Conditions:
Insulin-dependent diabetes mellitus secretory diarrhea syndrome (IPEX). Also called: Immunodysregulation, polyendocrinopathy, and enteropathy, X-linked; Immunodeficiency, Polyendocrinopathy, and Enteropathy X-Linked Syndrome; X-Linked Syndrome of Polyendocrinopathy, Immune Dysfunction, and Diarrhea; DIABETES MELLITUS, CONGENITAL INSULIN-DEPENDENT, WITH FATAL SECRETORY DIARRHEA; DIARRHEA, POLYENDOCRINOPATHY, FATAL INFECTION SYNDROME, X-LINKED; ENTEROPATHY, AUTOIMMUNE, WITH HEMOLYTIC ANEMIA AND POLYENDOCRINOPATHY. Identifiers: Orphanet 37042, MedGen C0342288, MONDO:0010580, OMIM 304790. Disease mechanism: loss of function.

Submission:

Labcorp Genetics (formerly Invitae), Labcorp
Classification: Uncertain significance for Insulin-dependent diabetes mellitus secretory diarrhea syndrome. Last evaluated: 2025-09-30. Review status: criteria provided, single submitter. Criteria: Invitae Variant Classification Sherloc (09022015). Collection method: clinical testing. Allele origin: germline.
Comment: This sequence change replaces methionine, which is neutral and non-polar, with valine, which is neutral and non-polar, at codon 328 of the FOXP3 protein (p.Met328Val). This variant is not present in population databases (gnomAD no frequency). This variant has not been reported in the literature in individuals affected with FOXP3-related conditions. Invitae Evidence Modeling of protein sequence and biophysical properties (such as structural, functional, and spatial information, amino acid conservation, physicochemical variation, residue mobility, and thermodynamic stability) indicates that this missense variant is not expected to disrupt FOXP3 protein function with a negative predictive value of 80%. In summary, the available evidence is currently insufficient to determine the role of this variant in disease. Therefore, it has been classified as a Variant of Uncertain Significance.

NM_014009.4(FOXP3):c.982A>G (p.Met328Val)

Gene: FOXP3 (forkhead box P3; minus strand). Cytogenetic location: Xp11.23.
Variant type: single nucleotide variant.
Coding change: c.982A>G on transcript NM_014009.4 (MANE Select); coding-DNA position 982, A replaced by G.
Protein change: p.Met328Val; replaces methionine 328 with valine.
Molecular consequence: missense variant.
Genome position (GRCh38, 1-based): chrX:49,253,188, T>C on the plus strand (A>G on the coding strand, the complement: FOXP3 is on the minus strand). VCF-style: chrX-49253188-T-C. GRCh37 (hg19) VCF-style: chrX-49109649-T-C.
Other names: c.877A>G, p.Met293Val (NM_001114377.2); short protein forms M328V, M293V.
Identifiers: ClinVar variation 4745417 (VCV004745417.1).